The following is an entry in ClinVar:

ClinVar aggregate classification (germline): Uncertain significance (1 of 4 stars; one submission).

Submission:

Quest Diagnostics Nichols Institute San Juan Capistrano
Classification: Uncertain significance. Last evaluated: 2024-02-01. Review status: criteria provided, single submitter. Criteria: Quest Diagnostics criteria. Collection method: clinical testing. Allele origin: unknown.
Comment: The HBB c.-64G>A variant has not been reported in individuals with HBB-related conditions in the published literature. It also has not been reported in large, multi-ethnic general populations (Genome Aggregation Database). Based on the available information, we are unable to determine the clinical significance of this variant.

NM_000518.4(HBB):c.-64G>A

Genes: HBB (hemoglobin subunit beta; minus strand), LOC106099062 (HBB recombination region; plus strand), LOC107133510 (origin of replication at HBB; plus strand). Cytogenetic location: 11p15.4.
Variant type: single nucleotide variant.
Coding change: c.-64G>A on transcript NM_000518.4; 64 bases upstream of the start codon, G replaced by A.
Genome position (GRCh38, 1-based): chr11:5,227,085, C>T on the plus strand (G>A on the coding strand, the complement: HBB is on the minus strand). VCF-style: chr11-5227085-C-T. GRCh37 (hg19) VCF-style: chr11-5248315-C-T.
Identifiers: ClinVar variation 3572120 (VCV003572120.1).